The following is an entry in ClinVar:

NM_014855.3(AP5Z1):c.1766C>T (p.Ser589Leu)

Gene: AP5Z1 (adaptor related protein complex 5 subunit zeta 1; plus strand). Cytogenetic location: 7p22.1.
Variant type: single nucleotide variant.
Coding change: c.1766C>T on transcript NM_014855.3 (MANE Select); coding-DNA position 1766, C replaced by T.
Protein change: p.Ser589Leu; replaces serine 589 with leucine.
Molecular consequence: missense variant. On other transcripts: non-coding transcript variant (1).
Genome position (GRCh38, 1-based): chr7:4,789,890, C>T. VCF-style: chr7-4789890-C-T. GRCh37 (hg19) VCF-style: chr7-4829521-C-T.
Other names: p.Ser589Leu; c.1298C>T, p.Ser433Leu (NM_001364858.1); c.1766C>T, p.Ser589Leu (LRG_1247t1); short protein forms S589L, S433L.
Identifiers: ClinVar variation 538861 (VCV000538861.13), dbSNP rs765366145, ClinGen allele CA4138014.

ClinVar aggregate classification (germline): Conflicting classifications of pathogenicity. Review status: criteria provided, conflicting classifications (1 of 4 stars). 6 submissions from 6 submitters: Uncertain significance (5); Likely benign (1). Last evaluated 2026-09-01.

Conditions:
Hereditary spastic paraplegia 48. Also called: SPASTIC PARAPLEGIA 48, AUTOSOMAL RECESSIVE; Spastic paraplegia 48. Identifiers: Orphanet 306511, MedGen C3150901, MONDO:0013342, OMIM 613647.
Inborn genetic diseases. Identifiers: MedGen C0950123, MeSH D030342.
Hereditary spastic paraplegia. Also called: Familial spastic paraparesis. Identifiers: Orphanet 685, MedGen C0037773, MONDO:0019064. Disease mechanism: loss of function.

Allele frequency attached by ClinVar (database versions not stated): ExAC 0.00006; gnomAD 0.00006 and 0.00009.

Submissions (6):

CeGaT Center for Human Genetics Tuebingen
Classification: Likely benign. Last evaluated: 2026-09-01. Review status: criteria provided, single submitter. Criteria: CeGaT Center For Human Genetics Tuebingen Variant Classification Criteria Version 2. Collection method: clinical testing. Allele origin: germline. Affected: yes. Observed: 1 variant allele.
Comment: AP5Z1: BP4

Mayo Clinic Laboratories, Mayo Clinic
Classification: Uncertain significance. Last evaluated: 2025-07-29. Review status: criteria provided, single submitter. Criteria: ACMG Guidelines, 2015. Collection method: clinical testing. Allele origin: germline. Observed: 2 variant alleles.
Comment: BP4_moderate

Women's Health and Genetics/Laboratory Corporation of America, LabCorp
Classification: Uncertain significance. Last evaluated: 2025-04-21. Review status: criteria provided, single submitter. Criteria: LabCorp Variant Classification Summary - May 2015. Collection method: clinical testing. Allele origin: germline.
Comment: Variant summary: AP5Z1 c.1766C>T (p.Ser589Leu) results in a non-conservative amino acid change in the encoded protein sequence. Four of five in-silico tools predict a benign effect of the variant on protein function. The variant allele was found at a frequency of 9.1e-05 in 154248 control chromosomes. This frequency is not significantly higher than estimated for a pathogenic variant in AP5Z1 causing Hereditary Spastic Paraplegia 48, allowing no conclusion about variant significance. To our knowledge, no occurrence of c.1766C>T in individuals affected with Hereditary Spastic Paraplegia 48 and no experimental evidence demonstrating its impact on protein function have been reported. ClinVar contains an entry for this variant (Variation ID: 538861). Based on the evidence outlined above, the variant was classified as uncertain significance.

Ambry Genetics
Classification: Uncertain significance for Inborn genetic diseases. Last evaluated: 2025-02-20. Review status: criteria provided, single submitter. Criteria: Ambry Variant Classification Scheme 2023. Collection method: clinical testing. Allele origin: germline.

Labcorp Genetics (formerly Invitae), Labcorp
Classification: Uncertain significance for Hereditary spastic paraplegia 48. Last evaluated: 2022-08-09. Review status: criteria provided, single submitter. Criteria: Invitae Variant Classification Sherloc (09022015). Collection method: clinical testing. Allele origin: germline.
Comment: This sequence change replaces serine, which is neutral and polar, with leucine, which is neutral and non-polar, at codon 589 of the AP5Z1 protein (p.Ser589Leu). This variant is present in population databases (rs765366145, gnomAD 0.03%). This variant has not been reported in the literature in individuals affected with AP5Z1-related conditions. ClinVar contains an entry for this variant (Variation ID: 538861). Algorithms developed to predict the effect of missense changes on protein structure and function output the following: SIFT: "Tolerated"; PolyPhen-2: "Benign"; Align-GVGD: "Class C0". The leucine amino acid residue is found in multiple mammalian species, which suggests that this missense change does not adversely affect protein function. In summary, the available evidence is currently insufficient to determine the role of this variant in disease. Therefore, it has been classified as a Variant of Uncertain Significance.

Genome Diagnostics Laboratory, The Hospital for Sick Children
Classification: Uncertain significance for Hereditary spastic paraplegia. Last evaluated: 2016-12-12. Review status: criteria provided, single submitter. Criteria: ACMG Guidelines, 2015. Collection method: clinical testing. Allele origin: germline. Affected: yes.